The following is an entry in ClinVar:

ClinVar aggregate classification (germline): Uncertain significance (1 of 4 stars; one submission).

Submission:

Women's Health and Genetics/Laboratory Corporation of America, LabCorp
Classification: Uncertain significance. Last evaluated: 2023-08-08. Review status: criteria provided, single submitter. Criteria: LabCorp Variant Classification Summary - May 2015. Collection method: clinical testing. Allele origin: germline.
Comment: Variant summary: The variant identified by MLPA or other technology involves the duplication of exon 8 in the AP3B1 gene. A presumed nomenclature of c.(786+1_787-1)_(942+1_943-1)dup has been designated for the purposes of this classification. It has been assumed that this is a tandem duplication in direct orientation (Richardson_GIM_2018, Newman_AJHG_2015). Although exact breakpoints of this duplication are not known, it is expected to result in a large in-frame duplication within the N-terminal domain (IPR002553) of the encoded AP3B1 protein sequence. The variant allele was found at a frequency of 9.2e-05 in 21694 control chromosomes in the gnomAD database, i.e. found in 1 homozygote (gnomAD Structural Variants dataset). The available data on variant occurrences in the general population are insufficient to allow any conclusion about variant significance, although the occurrence in a homozygous control individual is of a benign role for the variant. To our knowledge, no occurrence of c.(786+1_787-1)_(942+1_943-1)dup in individuals affected with Hermansky-Pudlak Syndrome and no experimental evidence demonstrating its impact on protein function have been reported. No submitters have reported clinical-significance assessments for this variant to ClinVar after 2014. Based on the evidence outlined above, the variant was classified as VUS-possibly benign.

NC_000005.9:g.(77473261_77477330)_(77477487_77511878)dup

Gene: AP3B1 (adaptor related protein complex 3 subunit beta 1; minus strand). Cytogenetic location: 5q14.1.
Variant type: Duplication.
Identifiers: ClinVar variation 2581571 (VCV002581571.1).